The following is an entry in ClinVar:

NC_000019.9:g.(13470614_13476130)_(13566027_13616745)dup

Gene: CACNA1A (calcium voltage-gated channel subunit alpha1 A; minus strand). Cytogenetic location: 19p13.2.
Variant type: Duplication.
Identifiers: ClinVar variation 3339895 (VCV003339895.1).

ClinVar aggregate classification (germline): Likely pathogenic (1 of 4 stars; one submission).

Conditions:
Developmental and epileptic encephalopathy, 42 (DEE42A). Also called: DEVELOPMENTAL AND EPILEPTIC ENCEPHALOPATHY 42A; EPILEPTIC ENCEPHALOPATHY, EARLY INFANTILE, 42A; Epileptic encephalopathy, early infantile, 42. Identifiers: MedGen C4310716, MONDO:0014917, OMIM 617106.

Submission:

Women's Health and Genetics/Laboratory Corporation of America, LabCorp
Classification: Likely pathogenic for Developmental and epileptic encephalopathy, 42. Last evaluated: 2024-06-21. Review status: criteria provided, single submitter. Criteria: LabCorp Variant Classification Summary - May 2015. Collection method: clinical testing. Allele origin: germline.
Comment: Variant summary: The variant involves the duplication of exons 2-5 in the CACNA1A gene. It is assumed to be a tandem duplication in direct orientation (PMIDs: 25640679, 30054569). This Copy Number Variant (CNV) is expected to alter the reading frame and predicted to result in a truncation or absence of the encoded protein due to nonsense mediated decay (NMD). A presumed nomenclature of c.(293+1_294-1)_(784+1_785-1)dup has been designated for the purposes of this classification. The variant was absent in 21694 control chromosomes. To our knowledge, no occurrence of c.(293+1_294-1)_(784+1_785-1)dup in individuals affected with Epileptic Encephalopathy, Early Infantile, 42 and no experimental evidence demonstrating its impact on protein function have been reported. No submitters have cited clinical-significance assessments for this variant to ClinVar. Based on the evidence outlined above, the variant was classified as likely pathogenic.